The following is an entry in ClinVar:

NM_138615.3(DHX30):c.3131A>G (p.Asn1044Ser)

Gene: DHX30 (DExH-box helicase 30; plus strand). Cytogenetic location: 3p21.31.
Variant type: single nucleotide variant.
Coding change: c.3131A>G on transcript NM_138615.3 (MANE Select); coding-DNA position 3131, A replaced by G.
Protein change: p.Asn1044Ser; replaces asparagine 1044 with serine.
Molecular consequence: missense variant.
Genome position (GRCh38, 1-based): chr3:47,849,494, A>G. VCF-style: chr3-47849494-A-G. GRCh37 (hg19) VCF-style: chr3-47890984-A-G.
Other names: c.3047A>G, p.Asn1016Ser (NM_001330990.2); c.3014A>G, p.Asn1005Ser (NM_014966.4); short protein forms N1005S, N1016S, N1044S.
Identifiers: ClinVar variation 1698228 (VCV001698228.2), dbSNP rs2037922870, ClinGen allele CA352594059.

ClinVar aggregate classification (germline): Uncertain significance (1 of 4 stars; one submission).

Allele frequency attached by ClinVar (database versions not stated): gnomAD exomes below 0.00001.

Submission:

GeneDx
Classification: Uncertain significance. Last evaluated: 2022-01-25. Review status: criteria provided, single submitter. Criteria: GeneDx Variant Classification Process June 2021. Collection method: clinical testing. Allele origin: germline. Affected: yes.
Comment: Not observed at significant frequency in large population cohorts (gnomAD); In silico analysis supports that this missense variant does not alter protein structure/function; Has not been previously published as pathogenic or benign to our knowledge